The following is an entry in ClinVar:

ClinVar aggregate classification (germline): Pathogenic (1 of 4 stars; one submission).

Conditions:
Myoclonic dystonia 11 (DYT11). Also called: Myoclonic dystonia; Dystonia 11; Dystonia, alcohol responsive; Hereditary essential myoclonus; SGCE Myoclonus-Dystonia; Myoclonus-Dystonia. Identifiers: Orphanet 36899, MedGen C1834570, MONDO:0008044, OMIM 159900.

Submission:

Labcorp Genetics (formerly Invitae), Labcorp
Classification: Pathogenic for Myoclonic dystonia 11. Last evaluated: 2024-05-18. Review status: criteria provided, single submitter. Criteria: Invitae Variant Classification Sherloc (09022015). Collection method: clinical testing. Allele origin: germline.
Comment: This sequence change creates a premature translational stop signal (p.Ile150Valfs*16) in the SGCE gene. It is expected to result in an absent or disrupted protein product. Loss-of-function variants in SGCE are known to be pathogenic (PMID: 12821748, 15389977, 17853490, 24297365). This variant is not present in population databases (gnomAD no frequency). This premature translational stop signal has been observed in individual(s) with dystonia (Invitae). ClinVar contains an entry for this variant (Variation ID: 1451375). For these reasons, this variant has been classified as Pathogenic.

Literature cited by the submitters: PubMed 12821748; PubMed 15389977; PubMed 17853490; PubMed 24297365.

NM_003919.3(SGCE):c.448_452del (p.Ile150fs)

Genes: CASD1 (CAS1 domain sialic acid O acetyltransferase 1; plus strand), SGCE (sarcoglycan epsilon; minus strand). Cytogenetic location: 7q21.3.
Variant type: Deletion.
Coding change: c.448_452del on transcript NM_003919.3 (MANE Select); coding-DNA positions 448 to 452, 5 bases deleted (ATAAT; older notation c.448_452delATAAT).
Protein change: p.Ile150fs; shifts the reading frame from isoleucine 150.
Molecular consequence: frameshift variant.
Genome position (GRCh38, 1-based): chr7:94,623,336-94,623,340, ATTAT deleted on the plus strand (ATAAT on the coding strand, the reverse complement: SGCE is on the minus strand); deleting any 5 consecutive bases within chr7:94,623,336-94,623,344 gives the same sequence; the c. name uses the placement nearest the transcript's 3' end. VCF-style (leftmost placement, unchanged base first): chr7-94623335-CATTAT-C. GRCh37 (hg19) VCF-style: chr7-94252647-CATTAT-C.
Other names: c.448_452del, p.Ile150fs (NM_001099400.2, NM_001099401.2, NM_001346717.2); c.325_329del, p.Ile109fs (NM_001301139.2, NM_001362809.2); c.556_560del, p.Ile186fs (NM_001346713.2, NM_001346715.2); c.361_365del, p.Ile121fs (NM_001346719.2, NM_001362807.2); c.175_179del, p.Ile59fs (NM_001346720.2, NM_001362808.2); short protein forms I109fs, I121fs, I186fs, I59fs, I150fs.
Identifiers: ClinVar variation 1451375 (VCV001451375.8), dbSNP rs2116918021, ClinGen allele CA2573142503.